The following is an entry in ClinVar:

NM_004369.4(COL6A3):c.3901C>T (p.Arg1301Trp)

Gene: COL6A3 (collagen type VI alpha 3 chain; minus strand). Cytogenetic location: 2q37.3.
Variant type: single nucleotide variant.
Coding change: c.3901C>T on transcript NM_004369.4 (MANE Select); coding-DNA position 3901, C replaced by T.
Protein change: p.Arg1301Trp; replaces arginine 1301 with tryptophan.
Molecular consequence: missense variant.
Genome position (GRCh38, 1-based): chr2:237,372,116, G>A on the plus strand (C>T on the coding strand, the complement: COL6A3 is on the minus strand). VCF-style: chr2-237372116-G-A. GRCh37 (hg19) VCF-style: chr2-238280759-G-A.
Other names: c.2680C>T, p.Arg894Trp (NM_057164.5); c.3283C>T, p.Arg1095Trp (NM_057165.5, NM_057167.4); c.2080C>T, p.Arg694Trp (NM_057166.5); short protein forms R1301W, R1095W, R694W, R894W.
Identifiers: ClinVar variation 288398 (VCV000288398.46), dbSNP rs150430813, ClinGen allele CA501184.

ClinVar aggregate classification (germline): Conflicting classifications of pathogenicity. Review status: criteria provided, conflicting classifications (1 of 4 stars). 7 submissions from 7 submitters: Uncertain significance (5); Likely benign (2). Last evaluated 2025-11-02.

Conditions:
COL6A3-related disorder. Also called: COL6A3-related disorders; COL6A3-related condition.
Collagen 6-related myopathy. Identifiers: MedGen CN117976, MONDO:0100225.
Bethlem myopathy 1A. Also called: Bethlem myopathy 1; Bethlem Muscular Dystrophy; MYOPATHY, BENIGN CONGENITAL, WITH CONTRACTURES. Identifiers: Orphanet 610, MedGen CN029274, MONDO:0024530, OMIM 158810.

Allele frequency attached by ClinVar (database versions not stated): ExAC 0.00005; gnomAD 0.00005; gnomAD exomes 0.00006 and 0.00007; ESP Exome Variant Server 0.00008; TOPMed 0.00008.
gnomAD v4.1: 104 of 1,613,872 alleles (0.0064%); highest among the groups gnomAD compares: South Asian, 0.0055%; no homozygotes.

Submissions (7):

Labcorp Genetics (formerly Invitae), Labcorp
Classification: Likely benign for Bethlem myopathy 1A. Last evaluated: 2025-11-02. Review status: criteria provided, single submitter. Criteria: Invitae Variant Classification Sherloc (09022015). Collection method: clinical testing. Allele origin: germline.

GeneDx
Classification: Uncertain significance. Last evaluated: 2025-02-18. Review status: criteria provided, single submitter. Criteria: GeneDx Variant Classification Process June 2021. Collection method: clinical testing. Allele origin: germline. Affected: yes.
Comment: In silico analysis supports that this missense variant has a deleterious effect on protein structure/function; Identified in the heterozygous state in a patient with focal dystonia and in a patient with limb-girdle muscular dystrophy in published literature, but familial segregation information and functional studies were not included (PMID: 26004199, 30564623); This variant is associated with the following publications: (PMID: 30564623, 26004199)

PreventionGenetics, part of Exact Sciences
Classification: Uncertain significance for COL6A3-related condition. Last evaluated: 2024-12-11. Review status: criteria provided, single submitter. Criteria: ACMG Guidelines, 2015. Collection method: clinical testing. Allele origin: germline.
Comment: The COL6A3 c.3901C>T variant is predicted to result in the amino acid substitution p.Arg1301Trp. This variant was reported in one individual from a large cohort of patients with limb girdle muscular dystrophy, without further evidence supporting pathogenicity. In the same cohort of patients, one individual carried a different missense change at this residue (p.Arg1301Gln, Nallamilli et al. 2018. PubMed ID: 30564623). The c.3901C>T variant is reported in 0.097% of alleles in individuals of Ashkenazi Jewish descent in gnomAD v2 (as displayed in the table above). However, in gnomAD v4 (available only on GRCh38), this variant is reported in 0.14% of alleles in that subpopulation, which is likely too common for a highly penetrant pathogenic variant. Although we suspect that this variant may be benign, the clinical significance of this variant is classified as uncertain at this time due to insufficient functional and genetic evidence.

CeGaT Center for Human Genetics Tuebingen
Classification: Likely benign. Last evaluated: 2024-02-01. Review status: criteria provided, single submitter. Criteria: CeGaT Center For Human Genetics Tuebingen Variant Classification Criteria Version 2. Collection method: clinical testing. Allele origin: germline. Affected: yes. Observed: 1 variant allele.
Comment: COL6A3: BP4

Revvity Omics, Revvity
Classification: Uncertain significance. Last evaluated: 2022-04-02. Review status: criteria provided, single submitter. Criteria: ACMG Guidelines, 2015. Collection method: clinical testing. Allele origin: germline.

Illumina Laboratory Services, Illumina
Classification: Uncertain significance for Collagen VI-related myopathy. Last evaluated: 2018-01-13. Review status: criteria provided, single submitter. Criteria: ICSL Variant Classification Criteria 13 December 2019. Collection method: clinical testing. Allele origin: germline.

Eurofins Ntd Llc (ga)
Classification: Uncertain significance. Last evaluated: 2016-05-31. Review status: criteria provided, single submitter. Criteria: EGL Classification Definitions 2015. Collection method: clinical testing. Allele origin: germline. Observed: 2 variant alleles, 2 heterozygotes.